The following is an entry in ClinVar:

ClinVar aggregate classification (germline): Uncertain significance. Review status: criteria provided, multiple submitters, no conflicts (2 of 4 stars). 2 submissions from 2 submitters: Uncertain significance (2). Last evaluated 2025-04-20.

Conditions:
Inborn genetic diseases. Identifiers: MedGen C0950123, MeSH D030342.

gnomAD v4.1: 31 of 1,613,354 alleles (0.0019%); highest among the groups gnomAD compares: Admixed American, 0.0033%; no homozygotes.

Submissions (2):

Ambry Genetics
Classification: Uncertain significance for Inborn genetic diseases. Last evaluated: 2025-04-20. Review status: criteria provided, single submitter. Criteria: Ambry Variant Classification Scheme 2023. Collection method: clinical testing. Allele origin: germline.

Labcorp Genetics (formerly Invitae), Labcorp
Classification: Uncertain significance. Last evaluated: 2022-07-15. Review status: criteria provided, single submitter. Criteria: Invitae Variant Classification Sherloc (09022015). Collection method: clinical testing. Allele origin: germline.
Comment: In summary, the available evidence is currently insufficient to determine the role of this variant in disease. Therefore, it has been classified as a Variant of Uncertain Significance. Algorithms developed to predict the effect of missense changes on protein structure and function (SIFT, PolyPhen-2, Align-GVGD) all suggest that this variant is likely to be tolerated. This variant has not been reported in the literature in individuals affected with TAF2-related conditions. This variant is not present in population databases (gnomAD no frequency). This sequence change replaces arginine, which is basic and polar, with leucine, which is neutral and non-polar, at codon 1082 of the TAF2 protein (p.Arg1082Leu).

NM_003184.4(TAF2):c.3245G>T (p.Arg1082Leu)

Gene: TAF2 (TATA-box binding protein associated factor 2; minus strand). Cytogenetic location: 8q24.12.
Variant type: single nucleotide variant.
Coding change: c.3245G>T on transcript NM_003184.4 (MANE Select); coding-DNA position 3245, G replaced by T.
Protein change: p.Arg1082Leu; replaces arginine 1082 with leucine.
Molecular consequence: missense variant.
Genome position (GRCh38, 1-based): chr8:119,742,626, C>A on the plus strand (G>T on the coding strand, the complement: TAF2 is on the minus strand). VCF-style: chr8-119742626-C-A. GRCh37 (hg19) VCF-style: chr8-120754866-C-A.
Other names: c.3245G>T (NM_003184.3); short protein forms R1082L.
Identifiers: ClinVar variation 1917038 (VCV001917038.6), dbSNP rs747453635, ClinGen allele CA371885111.
Genomic context (GRCh38, chr8:119,742,626, plus strand): 5'-TGGGGTTTTGTGGTGGGTGTGCTGTCACAGCCTGCTGAGTGCTGGGGTATTAAAGCAGAT[C>A]GGGAGCTAGCTGGCCGATATTTCGAGAGCCCTAAAATGCCAAACAAGAGAAAAAAGAGGG-3'
Protein context (NP_003175.2, residues 1072-1092): GLSKYRPASS[Arg1082Leu]SALIPQHSAG